The following is an entry in ClinVar:

ClinVar aggregate classification (germline): Uncertain significance. Review status: criteria provided, multiple submitters, no conflicts (2 of 4 stars). 2 submissions from 2 submitters: Uncertain significance (2). Last evaluated 2025-03-14.

Conditions:
Emery-Dreifuss muscular dystrophy 5, autosomal dominant (EDMD5). Also called: EMERY-DREIFUSS MUSCULAR DYSTROPHY 5. Identifiers: Orphanet 261, MedGen C2751805, MONDO:0013072, OMIM 612999.

Allele frequency attached by ClinVar (database versions not stated): gnomAD exomes below 0.00001 and 0.00001; ExAC 0.00001; gnomAD 0.00002 and 0.00003; TOPMed 0.00002; ESP Exome Variant Server 0.00008.
gnomAD v4.1: 18 of 1,614,098 alleles (0.0011%); highest among the groups gnomAD compares: Middle Eastern, 0.016%; no homozygotes.

Submissions (2):

Ambry Genetics
Classification: Uncertain significance. Last evaluated: 2025-03-14. Review status: criteria provided, single submitter. Criteria: Ambry Variant Classification Scheme 2023. Collection method: clinical testing. Allele origin: germline.

Labcorp Genetics (formerly Invitae), Labcorp
Classification: Uncertain significance for Emery-Dreifuss muscular dystrophy 5, autosomal dominant. Last evaluated: 2024-03-12. Review status: criteria provided, single submitter. Criteria: Invitae Variant Classification Sherloc (09022015). Collection method: clinical testing. Allele origin: germline.
Comment: This sequence change replaces isoleucine, which is neutral and non-polar, with methionine, which is neutral and non-polar, at codon 220 of the SYNE2 protein (p.Ile220Met). This variant is present in population databases (rs375642734, gnomAD 0.003%). This variant has not been reported in the literature in individuals affected with SYNE2-related conditions. ClinVar contains an entry for this variant (Variation ID: 1388852). An algorithm developed to predict the effect of missense changes on protein structure and function (PolyPhen-2) suggests that this variant is likely to be disruptive. In summary, the available evidence is currently insufficient to determine the role of this variant in disease. Therefore, it has been classified as a Variant of Uncertain Significance.

NM_182914.3(SYNE2):c.660T>G (p.Ile220Met)

Gene: SYNE2 (spectrin repeat containing nuclear envelope protein 2; plus strand). Cytogenetic location: 14q23.2.
Variant type: single nucleotide variant.
Coding change: c.660T>G on transcript NM_182914.3 (MANE Select); coding-DNA position 660, T replaced by G.
Protein change: p.Ile220Met; replaces isoleucine 220 with methionine.
Molecular consequence: missense variant.
Genome position (GRCh38, 1-based): chr14:63,954,788, T>G. VCF-style: chr14-63954788-T-G. GRCh37 (hg19) VCF-style: chr14-64421506-T-G.
Other names: c.660T>G, p.Ile220Met (NM_015180.6); c.660T>G (NM_182914.2); short protein forms I220M.
Identifiers: ClinVar variation 1388852 (VCV001388852.6), dbSNP rs375642734, ClinGen allele CA7219179.